The following is an entry in ClinVar:

ClinVar aggregate classification (germline): Likely benign. Review status: criteria provided, multiple submitters, no conflicts (2 of 4 stars). 2 submissions from 2 submitters: Likely benign (2). Last evaluated 2025-02-01.

gnomAD v4.1: 4,242 of 1,613,964 alleles (0.26%); highest among the groups gnomAD compares: Non-Finnish European, 0.35%; 10 homozygotes.

Submissions (2):

CeGaT Center for Human Genetics Tuebingen
Classification: Likely benign. Last evaluated: 2025-02-01. Review status: criteria provided, single submitter. Criteria: CeGaT Center For Human Genetics Tuebingen Variant Classification Criteria Version 2. Collection method: clinical testing. Allele origin: germline. Affected: yes. Observed: 1 variant allele.
Comment: ZFHX4: BP4, BP7, BS1

Blueprint Genetics
Classification: Likely benign. Last evaluated: 2024-10-28. Review status: criteria provided, single submitter. Criteria: ACMG Guidelines, 2015. Collection method: clinical testing. Allele origin: germline.

NM_024721.5(ZFHX4):c.9306C>T (p.Pro3102=)

Gene: ZFHX4 (zinc finger homeobox 4; plus strand). Cytogenetic location: 8q21.13.
Variant type: single nucleotide variant.
Coding change: c.9306C>T on transcript NM_024721.5 (MANE Select); coding-DNA position 9306, C replaced by T.
Protein change: p.Pro3102=; no amino-acid change (proline 3102 retained).
Molecular consequence: synonymous variant.
Genome position (GRCh38, 1-based): chr8:76,856,227, C>T. VCF-style: chr8-76856227-C-T. GRCh37 (hg19) VCF-style: chr8-77768463-C-T.
Other names: c.9228C>T, p.Pro3076= (NM_001410934.1).
Identifiers: ClinVar variation 3770485 (VCV003770485.14).
Genomic context (GRCh38, chr8:76,856,227, plus strand): 5'-CATGATGGACAGCAGTTCTCTCCACGGCATCAGCCTGCCAACAGCCTACCCCGGACTCCC[C>T]GGCCTTCCTCCAGTCCTTCTCCCCGGAATGAACGGTCCATCCTCCTTGCCGGGATTTCCA-3'
Protein context (NP_078997.4, residues 3092-3112): ISLPTAYPGL[Pro3102=]GLPPVLLPGM